The following is an entry in ClinVar:

ClinVar aggregate classification (germline): Uncertain significance (1 of 4 stars; one submission).

Conditions:
Autosomal dominant nocturnal frontal lobe epilepsy 5. Also called: KCNT1-Related Epilepsy; CILIARY DYSKINESIA, PRIMARY, 28, WITHOUT SITUS INVERSUS; CILIARY DYSKINESIA, PRIMARY, 28, WITH SITUS INVERSUS; Epilepsy, nocturnal frontal lobe, 5. Identifiers: Orphanet 98784, MedGen C3554306, MONDO:0014002, OMIM 615005.
Developmental and epileptic encephalopathy, 14 (DEE14). Also called: Early infantile epileptic encephalopathy 14. Identifiers: Orphanet 293181, MedGen C3554195, MONDO:0013989, OMIM 614959.

Allele frequency attached by ClinVar (database versions not stated): gnomAD exomes below 0.00001.
gnomAD v4.1: 4 of 1,614,030 alleles (0.00025%); highest among the groups gnomAD compares: Non-Finnish European, 0.00025%; no homozygotes.

Submission:

Labcorp Genetics (formerly Invitae), Labcorp
Classification: Uncertain significance for Epilepsy, nocturnal frontal lobe, 5; Early infantile epileptic encephalopathy 14. Last evaluated: 2019-06-03. Review status: criteria provided, single submitter. Criteria: Invitae Variant Classification Sherloc (09022015). Collection method: clinical testing. Allele origin: germline.
Comment: This sequence change replaces arginine with glutamine at codon 822 of the KCNT1 protein (p.Arg822Gln). The arginine residue is highly conserved and there is a small physicochemical difference between arginine and glutamine. This variant is not present in population databases (ExAC no frequency). This variant has not been reported in the literature in individuals with KCNT1-related conditions. Algorithms developed to predict the effect of missense changes on protein structure and function (SIFT, PolyPhen-2, Align-GVGD) all suggest that this variant is likely to be disruptive, but these predictions have not been confirmed by published functional studies and their clinical significance is uncertain. Algorithms developed to predict the effect of sequence changes on RNA splicing suggest that this variant may create or strengthen a splice site, but this prediction has not been confirmed by published transcriptional studies. In summary, the available evidence is currently insufficient to determine the role of this variant in disease. Therefore, it has been classified as a Variant of Uncertain Significance.

NM_020822.3(KCNT1):c.2465G>A (p.Arg822Gln)

Gene: KCNT1 (potassium sodium-activated channel subfamily T member 1; plus strand). Cytogenetic location: 9q34.3.
Variant type: single nucleotide variant.
Coding change: c.2465G>A on transcript NM_020822.3 (MANE Select); coding-DNA position 2465, G replaced by A.
Protein change: p.Arg822Gln; replaces arginine 822 with glutamine.
Molecular consequence: missense variant.
Genome position (GRCh38, 1-based): chr9:135,777,453, G>A. VCF-style: chr9-135777453-G-A. GRCh37 (hg19) VCF-style: chr9-138669299-G-A.
Other names: c.2330G>A, p.Arg777Gln (NM_001272003.2); short protein forms R777Q, R822Q.
Identifiers: ClinVar variation 935879 (VCV000935879.1), dbSNP rs1833247008, ClinGen allele CA375513496.
Genomic context (GRCh38, chr9:135,777,453, plus strand): 5'-TGATCATCGTCTCGGCAGAGACGGCCGGCAATGGGCTGTACAACTTCATCGTGCCACTGC[G>A]GGCCTACTACAGATCCCGCAAGGAGCTGAACCCCATCGTGCTGCTGCTGGACAACAAGTG-3'
Protein context (NP_065873.2, residues 812-832): NGLYNFIVPL[Arg822Gln]AYYRSRKELN